The following is an entry in ClinVar:

NM_001171.6(ABCC6):c.2539del (p.Leu847fs)

Gene: ABCC6 (ATP binding cassette subfamily C member 6; minus strand). Cytogenetic location: 16p13.11.
Variant type: Deletion.
Coding change: c.2539del on transcript NM_001171.6 (MANE Select); coding-DNA position 2539, one base deleted (C; older notation c.2539delC).
Protein change: p.Leu847fs; shifts the reading frame from leucine 847.
Molecular consequence: frameshift variant. On other transcripts: non-coding transcript variant (3).
Genome position (GRCh38, 1-based): chr16:16,177,503, G deleted on the plus strand (C on the coding strand, the reverse complement: ABCC6 is on the minus strand); the first of 3 consecutive G bases (chr16:16,177,503-16,177,505); deleting any one gives the same sequence. VCF-style (leftmost placement, unchanged base first): chr16-16177502-AG-A. GRCh37 (hg19) VCF-style: chr16-16271359-AG-A.
Other names: c.2197del, p.Leu733fs (NM_001351800.1); c.2506del, p.Leu836fs (NM_001440309.1); c.2371del, p.Leu791fs (NM_001440310.1); short protein forms L733fs, L791fs, L836fs, L847fs.
Identifiers: ClinVar variation 5018672 (VCV005018672.2).

ClinVar aggregate classification (germline): Likely pathogenic (1 of 4 stars; one submission).

Conditions:
Autosomal recessive inherited pseudoxanthoma elasticum (PXE). Identifiers: Orphanet 758, MedGen CN032334, MONDO:0009925, OMIM 264800.
Pseudoxanthoma elasticum, forme fruste. Also called: PSEUDOXANTHOMA ELASTICUM, HETEROZYGOUS; Pseudoxanthoma Elasticum, Incomplete. Identifiers: Orphanet 758, MedGen C1867450, MONDO:0008333, OMIM 177850.
Arterial calcification, generalized, of infancy, 2. Identifiers: Orphanet 51608, MedGen C3276161, MONDO:0013768, OMIM 614473.

Submission:

Juno Genomics, Hangzhou Juno Genomics, Inc
Classification: Likely pathogenic for Arterial calcification, generalized, of infancy, 2; Autosomal recessive inherited pseudoxanthoma elasticum; Pseudoxanthoma elasticum, forme fruste. Review status: criteria provided, single submitter. Criteria: ACMG Guidelines, 2015. Collection method: clinical testing. Allele origin: germline.
Comment: Absent from controls (or at extremely low frequency if recessive) in Genome Aggregation Database.;Null variant in a gene where loss of function (LOF) is a known mechanism of disease.